The following is an entry in ClinVar:

NM_000901.5(NR3C2):c.2412T>C (p.Tyr804=)

Gene: NR3C2 (nuclear receptor subfamily 3 group C member 2; minus strand). Cytogenetic location: 4q31.23.
Variant type: single nucleotide variant.
Coding change: c.2412T>C on transcript NM_000901.5 (MANE Select); coding-DNA position 2412, T replaced by C.
Protein change: p.Tyr804=; no amino-acid change (tyrosine 804 retained).
Molecular consequence: synonymous variant.
Genome position (GRCh38, 1-based): chr4:148,152,567, A>G on the plus strand (T>C on the coding strand, the complement: NR3C2 is on the minus strand). VCF-style: chr4-148152567-A-G. GRCh37 (hg19) VCF-style: chr4-149073718-A-G.
Other names: c.2061T>C, p.Tyr687= (NM_001166104.2, NM_001354819.1).
Identifiers: ClinVar variation 347720 (VCV000347720.9), dbSNP rs548602386, ClinGen allele CA3100103.

ClinVar aggregate classification (germline): Benign. Review status: criteria provided, multiple submitters, no conflicts (2 of 4 stars). 2 submissions from 2 submitters: Benign (2). Last evaluated 2025-11-25.

Conditions:
Autosomal dominant pseudohypoaldosteronism type 1. Also called: Pseudohypoaldosteronism, Type I, Autosomal Dominant; PHA I, AUTOSOMAL DOMINANT; Pseudohypoaldosteronism, Type I, Dominant. Identifiers: Orphanet 171871, Orphanet 756, MedGen C1449842, MONDO:0008329, OMIM 177735.

Allele frequency attached by ClinVar (database versions not stated): gnomAD 0.00004 and 0.00005; gnomAD exomes 0.00006 and 0.00024; TOPMed 0.00010; ExAC 0.00030; 1000 Genomes Project 30x 0.00047; 1000 Genomes Project 0.00060.
gnomAD v4.1: 97 of 1,613,762 alleles (0.006%); highest among the groups gnomAD compares: Admixed American, 0.095%; no homozygotes.

Submissions (2):

Labcorp Genetics (formerly Invitae), Labcorp
Classification: Benign. Last evaluated: 2025-11-25. Review status: criteria provided, single submitter. Criteria: Invitae Variant Classification Sherloc (09022015). Collection method: clinical testing. Allele origin: germline.

Illumina Laboratory Services, Illumina
Classification: Benign for Autosomal dominant pseudohypoaldosteronism type 1. Last evaluated: 2018-01-12. Review status: criteria provided, single submitter. Criteria: ICSL Variant Classification Criteria 13 December 2019. Collection method: clinical testing. Allele origin: germline.
Comment: This variant was observed in the ICSL laboratory as part of a predisposition screen in an ostensibly healthy population. It had not been previously curated by ICSL or reported in the Human Gene Mutation Database (HGMD: prior to June 1st, 2018), and was therefore a candidate for classification through an automated scoring system. Utilizing variant allele frequency, disease prevalence and penetrance estimates, and inheritance mode, an automated score was calculated to assess if this variant is too frequent to cause the disease. Based on the score and internal cut-off values, a variant classified as benign is not then subjected to further curation. The score for this variant resulted in a classification of benign for this disease.